The following is an entry in ClinVar:

NM_005912.3(MC4R):c.129A>G (p.Gln43=)

Gene: MC4R (melanocortin 4 receptor; minus strand). Cytogenetic location: 18q21.32.
Variant type: single nucleotide variant.
Coding change: c.129A>G on transcript NM_005912.3 (MANE Select); coding-DNA position 129, A replaced by G.
Protein change: p.Gln43=; no amino-acid change (glutamine 43 retained).
Molecular consequence: synonymous variant.
Genome position (GRCh38, 1-based): chr18:60,372,221, T>C on the plus strand (A>G on the coding strand, the complement: MC4R is on the minus strand). VCF-style: chr18-60372221-T-C. GRCh37 (hg19) VCF-style: chr18-58039454-T-C.
Identifiers: ClinVar variation 3048892 (VCV003048892.2), dbSNP rs770200773, ClinGen allele CA8980976.

ClinVar aggregate classification (germline): Likely benign (0 of 4 stars; one submission).

Conditions:
MC4R-related disorder. Also called: MC4R-related condition.

Allele frequency attached by ClinVar (database versions not stated): gnomAD exomes below 0.00001; ExAC 0.00002.
gnomAD v4.1: 6 of 1,614,248 alleles (0.00037%); highest among the groups gnomAD compares: South Asian, 0.0033%; no homozygotes.

Submission:

PreventionGenetics, part of Exact Sciences
Classification: Likely benign for MC4R-related condition. Last evaluated: 2019-12-09. Review status: no assertion criteria provided. Collection method: clinical testing. Allele origin: germline.
Comment: This variant is classified as likely benign based on ACMG/AMP sequence variant interpretation guidelines (Richards et al. 2015 PMID: 25741868, with internal and published modifications).